The following is an entry in ClinVar:

NM_001849.4(COL6A2):c.2648G>A (p.Gly883Asp)

Gene: COL6A2 (collagen type VI alpha 2 chain; plus strand). Cytogenetic location: 21q22.3.
Variant type: single nucleotide variant.
Coding change: c.2648G>A on transcript NM_001849.4 (MANE Select); coding-DNA position 2648, G replaced by A.
Protein change: p.Gly883Asp; replaces glycine 883 with aspartic acid.
Molecular consequence: missense variant.
Genome position (GRCh38, 1-based): chr21:46,132,140, G>A. VCF-style: chr21-46132140-G-A. GRCh37 (hg19) VCF-style: chr21-47552054-G-A.
Other names: short protein forms G883D.
Identifiers: ClinVar variation 4709372 (VCV004709372.1).

ClinVar aggregate classification (germline): Uncertain significance (1 of 4 stars; one submission).

Conditions:
Bethlem myopathy 1A. Also called: MYOPATHY, BENIGN CONGENITAL, WITH CONTRACTURES; Bethlem myopathy 1; Bethlem Muscular Dystrophy. Identifiers: Orphanet 610, MedGen CN029274, MONDO:0024530, OMIM 158810.

gnomAD v4.1: 1 of 1,573,758 alleles (0.000064%); highest among the groups gnomAD compares: Non-Finnish European, 0.000086%; no homozygotes.

Submission:

Labcorp Genetics (formerly Invitae), Labcorp
Classification: Uncertain significance for Bethlem myopathy 1A. Last evaluated: 2025-06-01. Review status: criteria provided, single submitter. Criteria: Invitae Variant Classification Sherloc (09022015). Collection method: clinical testing. Allele origin: germline.
Comment: This sequence change replaces glycine, which is neutral and non-polar, with aspartic acid, which is acidic and polar, at codon 883 of the COL6A2 protein (p.Gly883Asp). This variant is not present in population databases (gnomAD no frequency). This variant has not been reported in the literature in individuals affected with COL6A2-related conditions. Invitae Evidence Modeling of protein sequence and biophysical properties (such as structural, functional, and spatial information, amino acid conservation, physicochemical variation, residue mobility, and thermodynamic stability) indicates that this missense variant is expected to disrupt COL6A2 protein function with a positive predictive value of 80%. In summary, the available evidence is currently insufficient to determine the role of this variant in disease. Therefore, it has been classified as a Variant of Uncertain Significance.